The following is an entry in ClinVar:

NM_001349884.2(DRAM2):c.206C>T (p.Ala69Val)

Gene: DRAM2 (DNA damage regulated autophagy modulator 2; minus strand). Cytogenetic location: 1p13.3.
Variant type: single nucleotide variant.
Coding change: c.206C>T on transcript NM_001349884.2 (MANE Select); coding-DNA position 206, C replaced by T.
Protein change: p.Ala69Val; replaces alanine 69 with valine.
Molecular consequence: missense variant. On other transcripts: 5 prime UTR variant (1), non-coding transcript variant (3), intron variant (7).
Genome position (GRCh38, 1-based): chr1:111,124,875, G>A on the plus strand (C>T on the coding strand, the complement: DRAM2 is on the minus strand). VCF-style: chr1-111124875-G-A. GRCh37 (hg19) VCF-style: chr1-111667497-G-A.
Other names: c.206C>T, p.Ala69Val (NM_001349881.2, NM_001349882.2, NM_001349885.2 and 1 more transcripts); c.-213C>T (NM_001349891.2); c.-52+1352C>T (NM_001349889.2, NM_001349890.2, NM_001349892.2 and 1 more transcripts); c.41+1352C>T (NM_001349887.2, NM_001349886.2, NM_001349888.2); short protein forms A69V.
Identifiers: ClinVar variation 2123877 (VCV002123877.2), dbSNP rs1650691022, ClinGen allele CA341819418.

ClinVar aggregate classification (germline): Uncertain significance. Review status: criteria provided, multiple submitters, no conflicts (2 of 4 stars). 2 submissions from 2 submitters: Uncertain significance (2). Last evaluated 2022-08-21.

Allele frequency attached by ClinVar (database versions not stated): TOPMed below 0.00001.

Submissions (2):

Labcorp Genetics (formerly Invitae), Labcorp
Classification: Uncertain significance. Last evaluated: 2022-08-21. Review status: criteria provided, single submitter. Criteria: Invitae Variant Classification Sherloc (09022015). Collection method: clinical testing. Allele origin: germline.
Comment: This sequence change replaces alanine, which is neutral and non-polar, with valine, which is neutral and non-polar, at codon 69 of the DRAM2 protein (p.Ala69Val). This variant is not present in population databases (gnomAD no frequency). This variant has not been reported in the literature in individuals affected with DRAM2-related conditions. Algorithms developed to predict the effect of missense changes on protein structure and function are either unavailable or do not agree on the potential impact of this missense change (SIFT: "Tolerated"; PolyPhen-2: "Probably Damaging"; Align-GVGD: "Class C0"). In summary, the available evidence is currently insufficient to determine the role of this variant in disease. Therefore, it has been classified as a Variant of Uncertain Significance.

Blueprint Genetics
Classification: Uncertain significance. Last evaluated: 2021-09-16. Review status: criteria provided, single submitter. Criteria: ACMG Guidelines, 2015. Collection method: clinical testing. Allele origin: germline.